The following is an entry in ClinVar:

NM_001365276.2(TNXB):c.2390G>A (p.Arg797Gln)

Gene: TNXB (tenascin XB; minus strand). Cytogenetic location: 6p21.33.
Variant type: single nucleotide variant.
Coding change: c.2390G>A on transcript NM_001365276.2 (MANE Select); coding-DNA position 2390, G replaced by A.
Protein change: p.Arg797Gln; replaces arginine 797 with glutamine.
Molecular consequence: missense variant.
Genome position (GRCh38, 1-based): chr6:32,089,348, C>T on the plus strand (G>A on the coding strand, the complement: TNXB is on the minus strand). VCF-style: chr6-32089348-C-T. GRCh37 (hg19) VCF-style: chr6-32057125-C-T.
Other names: p.Arg797Gln; c.2390G>A, p.Arg797Gln (NM_019105.8); short protein forms R797Q.
Identifiers: ClinVar variation 1012766 (VCV001012766.45), dbSNP rs201123945, ClinGen allele CA3735491.

ClinVar aggregate classification (germline): Conflicting classifications of pathogenicity. Review status: criteria provided, conflicting classifications (1 of 4 stars). 5 submissions from 5 submitters: Uncertain significance (3); Likely benign (2). Last evaluated 2025-12-26.

Conditions:
Cardiovascular phenotype. Identifiers: MedGen CN230736.

Allele frequency attached by ClinVar (database versions not stated): gnomAD 0.00011 and 0.00012; TOPMed 0.00012; ESP Exome Variant Server 0.00016; gnomAD exomes 0.00028 and 0.00035; ExAC 0.00040.
gnomAD v4.1: 411 of 1,608,114 alleles (0.026%); highest among the groups gnomAD compares: Admixed American, 0.085%; no homozygotes.

Submissions (5):

Women's Health and Genetics/Laboratory Corporation of America, LabCorp
Classification: Likely benign. Last evaluated: 2025-12-26. Review status: criteria provided, single submitter. Criteria: LabCorp Variant Classification Summary - May 2015. Collection method: clinical testing. Allele origin: germline.
Comment: Variant summary: TNXB c.2390G>A (p.Arg797Gln) results in a conservative amino acid change in the encoded protein sequence. Algorithms developed to predict the effect of missense changes on protein structure and function all suggest that this variant is likely to be tolerated. The variant allele was found at a frequency of 0.00035 in 246654 control chromosomes, predominantly at a frequency of 0.0013 within the Latino subpopulation in the gnomAD database. The observed variant frequency within Latino control individuals in the gnomAD database exceeds the estimated maximal expected allele frequency for disease-causing variants in TNXB. To our knowledge, no occurrence of c.2390G>A in individuals affected with TNXB-related conditions and no experimental evidence demonstrating its impact on protein function have been reported. ClinVar contains an entry for this variant (Variation ID: 1012766). Based on the evidence outlined above, the variant was classified as likely benign.

Mayo Clinic Laboratories, Mayo Clinic
Classification: Uncertain significance. Last evaluated: 2025-11-26. Review status: criteria provided, single submitter. Criteria: ACMG Guidelines, 2015. Collection method: clinical testing. Allele origin: germline. Observed: 2 variant alleles.
Comment: BP4

GeneDx
Classification: Uncertain significance. Last evaluated: 2025-08-26. Review status: criteria provided, single submitter. Criteria: GeneDx Variant Classification Process June 2021. Collection method: clinical testing. Allele origin: germline. Affected: yes.
Comment: Has not been previously published as pathogenic or benign to our knowledge; In silico analysis supports that this missense variant does not alter protein structure/function

Ambry Genetics
Classification: Likely benign for Cardiovascular phenotype. Last evaluated: 2024-08-20. Review status: criteria provided, single submitter. Criteria: Ambry Variant Classification Scheme 2023. Collection method: clinical testing. Allele origin: germline.

CeGaT Center for Human Genetics Tuebingen
Classification: Uncertain significance. Last evaluated: 2020-07-01. Review status: criteria provided, single submitter. Criteria: CeGaT Center For Human Genetics Tuebingen Variant Classification Criteria Version 2. Collection method: clinical testing. Allele origin: germline. Affected: yes. Observed: 1 variant allele.